The following is an entry in ClinVar:

NM_001375524.1(TRRAP):c.3440C>G (p.Ala1147Gly)

Gene: TRRAP (transformation/transcription domain associated protein; plus strand). Cytogenetic location: 7q22.1.
Variant type: single nucleotide variant.
Coding change: c.3440C>G on transcript NM_001375524.1 (MANE Select); coding-DNA position 3440, C replaced by G.
Protein change: p.Ala1147Gly; replaces alanine 1147 with glycine.
Molecular consequence: missense variant.
Genome position (GRCh38, 1-based): chr7:98,930,679, C>G. VCF-style: chr7-98930679-C-G. GRCh37 (hg19) VCF-style: chr7-98528302-C-G.
Other names: c.3440C>G, p.Ala1147Gly (NM_001244580.2, NM_003496.4); short protein forms A1147G.
Identifiers: ClinVar variation 4743372 (VCV004743372.1).
Genomic context (GRCh38, chr7:98,930,679, plus strand): 5'-ATTTTCCTCTCCAGGCCTGCCAGCTGCCCCTGTTTTCTTACATCGTGGAGCGCCTGTGTG[C>G]ATGTTGTTATGAACAGGCGTGGTATGCAAAGCTGGGGGGTGTGGTGTCTATTAAGTTTCT-3'
Protein context (NP_001362453.1, residues 1137-1157): LFSYIVERLC[Ala1147Gly]CCYEQAWYAK

ClinVar aggregate classification (germline): Uncertain significance (1 of 4 stars; one submission).

gnomAD v4.1: 2 of 1,614,132 alleles (0.00012%); highest among the groups gnomAD compares: Non-Finnish European, 0.00017%; no homozygotes.

Submission:

Labcorp Genetics (formerly Invitae), Labcorp
Classification: Uncertain significance. Last evaluated: 2025-07-23. Review status: criteria provided, single submitter. Criteria: Invitae Variant Classification Sherloc (09022015). Collection method: clinical testing. Allele origin: germline.
Comment: This sequence change replaces alanine, which is neutral and non-polar, with glycine, which is neutral and non-polar, at codon 1147 of the TRRAP protein (p.Ala1147Gly). This variant is not present in population databases (gnomAD no frequency). This variant has not been reported in the literature in individuals affected with TRRAP-related conditions. Invitae Evidence Modeling of protein sequence and biophysical properties (such as structural, functional, and spatial information, amino acid conservation, physicochemical variation, residue mobility, and thermodynamic stability) indicates that this missense variant is not expected to disrupt TRRAP protein function with a negative predictive value of 80%. In summary, the available evidence is currently insufficient to determine the role of this variant in disease. Therefore, it has been classified as a Variant of Uncertain Significance.